The following is an entry in ClinVar:

ClinVar aggregate classification (germline): Uncertain significance. Review status: criteria provided, multiple submitters, no conflicts (2 of 4 stars). 2 submissions from 2 submitters: Uncertain significance (2). Last evaluated 2025-04-03.

Conditions:
Inborn genetic diseases. Identifiers: MedGen C0950123, MeSH D030342.

Allele frequency attached by ClinVar (database versions not stated): ExAC 0.00002; gnomAD exomes 0.00001; gnomAD 0.00001; TOPMed 0.00002.

Submissions (2):

Women's Health and Genetics/Laboratory Corporation of America, LabCorp
Classification: Uncertain significance. Last evaluated: 2025-04-03. Review status: criteria provided, single submitter. Criteria: LabCorp Variant Classification Summary - May 2015. Collection method: clinical testing. Allele origin: germline.
Comment: Variant summary: IGF1 c.19C>T (p.Leu7Phe) results in a non-conservative amino acid change in the encoded protein sequence. Four of five in-silico tools predict a damaging effect of the variant on protein function. The variant allele was found at a frequency of 1.6e-05 in 250918 control chromosomes. The available data on variant occurrences in the general population are insufficient to allow any conclusion about variant significance. To our knowledge, no occurrence of c.19C>T in individuals affected with Growth Delay Due To Insulin-Like Growth Factor Type 1 Deficiency and no experimental evidence demonstrating its impact on protein function have been reported. ClinVar contains an entry for this variant (Variation ID: 2381884). Based on the evidence outlined above, the variant was classified as uncertain significance.

Ambry Genetics
Classification: Uncertain significance for Inborn genetic diseases. Last evaluated: 2022-12-19. Review status: criteria provided, single submitter. Criteria: Ambry Variant Classification Scheme 2023. Collection method: clinical testing. Allele origin: germline.

NM_000618.5(IGF1):c.19C>T (p.Leu7Phe)

Genes: IGF1 (insulin like growth factor 1; minus strand), LINC02456 (long intergenic non-protein coding RNA 2456; plus strand). Cytogenetic location: 12q23.2.
Variant type: single nucleotide variant.
Coding change: c.19C>T on transcript NM_000618.5 (MANE Select); coding-DNA position 19, C replaced by T.
Protein change: p.Leu7Phe; replaces leucine 7 with phenylalanine.
Molecular consequence: missense variant.
Genome position (GRCh38, 1-based): chr12:102,480,363, G>A on the plus strand (C>T on the coding strand, the complement: IGF1 is on the minus strand). VCF-style: chr12-102480363-G-A. GRCh37 (hg19) VCF-style: chr12-102874141-G-A.
Other names: c.19C>T, p.Leu7Phe (NM_001111283.3, NM_001111285.3, NM_001414005.1 and 1 more transcripts); short protein forms L7F.
Identifiers: ClinVar variation 2381884 (VCV002381884.4), dbSNP rs757718895, ClinGen allele CA6748648.